The following is an entry in ClinVar:

ClinVar aggregate classification (germline): Likely benign. Review status: criteria provided, multiple submitters, no conflicts (2 of 4 stars). 2 submissions from 2 submitters: Likely benign (2). Last evaluated 2025-01-11.

Conditions:
Familial adenomatous polyposis 2. Also called: MUTYH Polyposis; COLORECTAL ADENOMATOUS POLYPOSIS, AUTOSOMAL RECESSIVE; ADENOMAS, MULTIPLE COLORECTAL, AUTOSOMAL RECESSIVE; MUTYH-associated polyposis; MUTYH-related attenuated familial adenomatous polyposis; Adenomas, multiple colorectal. Identifiers: Orphanet 220460, Orphanet 247798, MedGen C3272841, MONDO:0012041, OMIM 608456.

Allele frequency attached by ClinVar (database versions not stated): gnomAD exomes below 0.00001; gnomAD 0.00001; TOPMed 0.00001.
gnomAD v4.1: 3 of 1,614,008 alleles (0.00019%); highest among the groups gnomAD compares: African/African-American, 0.0027%; no homozygotes.

Submissions (2):

Labcorp Genetics (formerly Invitae), Labcorp
Classification: Likely benign for Familial adenomatous polyposis 2. Last evaluated: 2025-01-11. Review status: criteria provided, single submitter. Criteria: Invitae Variant Classification Sherloc (09022015). Collection method: clinical testing. Allele origin: germline.

GeneDx
Classification: Likely benign. Last evaluated: 2017-03-07. Review status: criteria provided, single submitter. Criteria: GeneDx Variant Classification (06012015). Collection method: clinical testing. Allele origin: germline. Affected: yes.
Comment: This variant is considered likely benign or benign based on one or more of the following criteria: it is a conservative change, it occurs at a poorly conserved position in the protein, it is predicted to be benign by multiple in silico algorithms, and/or has population frequency not consistent with disease.

NM_001048174.2(MUTYH):c.704+14G>T

Gene: MUTYH (mutY DNA glycosylase; minus strand). Cytogenetic location: 1p34.1.
Variant type: single nucleotide variant.
Coding change: c.704+14G>T on transcript NM_001048174.2 (MANE Select); 14 bases into the intron after coding-DNA position 704, G replaced by T.
Molecular consequence: intron variant.
Genome position (GRCh38, 1-based): chr1:45,332,377, C>A on the plus strand (G>T on the coding strand, the complement: MUTYH is on the minus strand). VCF-style: chr1-45332377-C-A. GRCh37 (hg19) VCF-style: chr1-45798049-C-A.
Other names: c.359+14G>T (NM_001350651.2, NM_001350650.2); c.428+14G>T (NM_001293192.2, NM_001293196.2); c.704+14G>T (NM_001048171.2, NM_001048173.2, NM_001293195.2); c.749+14G>T (NM_001293190.2); c.779+14G>T (NM_012222.3); c.788+14G>T (NM_001128425.2); c.707+14G>T (NM_001048172.2); c.737+14G>T (NM_001293191.2).
Identifiers: ClinVar variation 507861 (VCV000507861.8), dbSNP rs957110303, ClinGen allele CA21837272.